The following is an entry in ClinVar:

ClinVar aggregate classification (germline): Uncertain significance. Review status: criteria provided, multiple submitters, no conflicts (2 of 4 stars). 3 submissions from 3 submitters: Uncertain significance (3). Last evaluated 2025-08-04.

Conditions:
Retinoblastoma (RB1). Also called: RETINOBLASTOMA, SOMATIC. Identifiers: Orphanet 790, MedGen C0035335, MeSH D012175, MONDO:0008380, OMIM 180200, HP:0009919. Disease mechanism: loss of function. Inheritance: Both sporadic and heritable forms are tested..
Hereditary cancer-predisposing syndrome. Also called: Tumor predisposition; Hereditary Cancer Syndrome; Hereditary neoplastic syndrome; Neoplastic Syndromes, Hereditary. Identifiers: Orphanet 140162, MedGen C0027672, MeSH D009386, MONDO:0015356.

Submissions (3):

GeneDx
Classification: Uncertain significance. Last evaluated: 2025-08-04. Review status: criteria provided, single submitter. Criteria: GeneDx Variant Classification Process June 2021. Collection method: clinical testing. Allele origin: germline. Affected: yes.
Comment: Not observed at significant frequency in large population cohorts (gnomAD); In silico analysis suggests that this missense variant does not alter protein structure/function; Has not been previously published as pathogenic or benign to our knowledge; This variant is associated with the following publications: (PMID: 23516486)

Ambry Genetics
Classification: Uncertain significance for Hereditary cancer-predisposing syndrome. Last evaluated: 2025-02-14. Review status: criteria provided, single submitter. Criteria: Ambry Variant Classification Scheme 2023. Collection method: clinical testing. Allele origin: germline.
Comment: The p.T905A variant (also known as c.2713A>G), located in coding exon 26 of the RB1 gene, results from an A to G substitution at nucleotide position 2713. The amino acid change results in threonine to alanine at codon 905, an amino acid with similar properties. This amino acid position is highly conserved in available vertebrate species. In addition, the in silico prediction for this alteration is inconclusive. Based on the available evidence, the clinical significance of this variant remains unclear.

Labcorp Genetics (formerly Invitae), Labcorp
Classification: Uncertain significance for Retinoblastoma. Last evaluated: 2024-02-25. Review status: criteria provided, single submitter. Criteria: Invitae Variant Classification Sherloc (09022015). Collection method: clinical testing. Allele origin: germline.
Comment: This sequence change replaces threonine, which is neutral and polar, with alanine, which is neutral and non-polar, at codon 905 of the RB1 protein (p.Thr905Ala). This variant is not present in population databases (gnomAD no frequency). This variant has not been reported in the literature in individuals affected with RB1-related conditions. An algorithm developed to predict the effect of missense changes on protein structure and function (PolyPhen-2) suggests that this variant is likely to be disruptive. In summary, the available evidence is currently insufficient to determine the role of this variant in disease. Therefore, it has been classified as a Variant of Uncertain Significance.

NM_000321.3(RB1):c.2713A>G (p.Thr905Ala)

Gene: RB1 (RB transcriptional corepressor 1; plus strand). Cytogenetic location: 13q14.2.
Variant type: single nucleotide variant.
Coding change: c.2713A>G on transcript NM_000321.3 (MANE Select); coding-DNA position 2713, A replaced by G.
Protein change: p.Thr905Ala; replaces threonine 905 with alanine.
Molecular consequence: missense variant.
Genome position (GRCh38, 1-based): chr13:48,477,404, A>G. VCF-style: chr13-48477404-A-G. GRCh37 (hg19) VCF-style: chr13-49051540-A-G.
Other names: c.2713A>G, p.Ile905Val (NM_001407165.1); c.163A>G, p.Thr55Ala (NM_001407168.1); short protein forms T55A, T905A, I905V.
Identifiers: ClinVar variation 3719646 (VCV003719646.3).